The following is an entry in ClinVar:

ClinVar aggregate classification (germline): Uncertain significance (1 of 4 stars; one submission).

Conditions:
Hereditary cancer-predisposing syndrome. Also called: Neoplastic Syndromes, Hereditary; Tumor predisposition; Hereditary Cancer Syndrome; Hereditary neoplastic syndrome. Identifiers: Orphanet 140162, MedGen C0027672, MeSH D009386, MONDO:0015356.

Submission:

Ambry Genetics
Classification: Uncertain significance for Hereditary cancer-predisposing syndrome. Last evaluated: 2025-10-25. Review status: criteria provided, single submitter. Criteria: Ambry Variant Classification Scheme 2023. Collection method: clinical testing. Allele origin: germline.
Comment: The p.G1319C variant (also known as c.3955G>T), located in coding exon 20 of the DICER1 gene, results from a G to T substitution at nucleotide position 3955. The glycine at codon 1319 is replaced by cysteine, an amino acid with highly dissimilar properties. This amino acid position is conserved. In addition, this alteration is predicted to be deleterious by in silico analysis. Based on the available evidence, the clinical significance of this variant remains unclear.

NM_177438.3(DICER1):c.3955G>T (p.Gly1319Cys)

Gene: DICER1 (dicer 1, ribonuclease III; minus strand). Cytogenetic location: 14q32.13.
Variant type: single nucleotide variant.
Coding change: c.3955G>T on transcript NM_177438.3 (MANE Select); coding-DNA position 3955, G replaced by T.
Protein change: p.Gly1319Cys; replaces glycine 1319 with cysteine.
Molecular consequence: missense variant. On other transcripts: non-coding transcript variant (6).
Genome position (GRCh38, 1-based): chr14:95,103,441, C>A on the plus strand (G>T on the coding strand, the complement: DICER1 is on the minus strand). VCF-style: chr14-95103441-C-A. GRCh37 (hg19) VCF-style: chr14-95569778-C-A.
Other names: c.3955G>T, p.Gly1319Cys (NM_001195573.1, NM_001271282.3, NM_001291628.2 and 12 more transcripts); c.3673G>T, p.Gly1225Cys (NM_001395686.1); c.3550G>T, p.Gly1184Cys (NM_001395687.1, NM_001395688.1, NM_001395689.1 and 2 more transcripts); c.3388G>T, p.Gly1130Cys (NM_001395691.1); c.2272G>T, p.Gly758Cys (NM_001395697.1); short protein forms G1319C, G1130C, G1225C, G758C, G1184C.
Identifiers: ClinVar variation 4637361 (VCV004637361.1).